The following is an entry in ClinVar:

ClinVar aggregate classification (germline): Uncertain significance (1 of 4 stars; one submission).

Submission:

Labcorp Genetics (formerly Invitae), Labcorp
Classification: Uncertain significance. Last evaluated: 2025-04-28. Review status: criteria provided, single submitter. Criteria: Invitae Variant Classification Sherloc (09022015). Collection method: clinical testing. Allele origin: germline.
Comment: This sequence change replaces glutamic acid, which is acidic and polar, with glutamine, which is neutral and polar, at codon 227 of the FBXO11 protein (p.Glu227Gln). This variant is not present in population databases (gnomAD no frequency). This variant has not been reported in the literature in individuals affected with FBXO11-related conditions. ClinVar contains an entry for this variant (Variation ID: 1999454). An algorithm developed to predict the effect of missense changes on protein structure and function (PolyPhen-2) suggests that this variant is likely to be tolerated. In summary, the available evidence is currently insufficient to determine the role of this variant in disease. Therefore, it has been classified as a Variant of Uncertain Significance.

NM_001190274.2(FBXO11):c.679G>C (p.Glu227Gln)

Gene: FBXO11 (F-box protein 11; minus strand). Cytogenetic location: 2p16.3.
Variant type: single nucleotide variant.
Coding change: c.679G>C on transcript NM_001190274.2 (MANE Select); coding-DNA position 679, G replaced by C.
Protein change: p.Glu227Gln; replaces glutamic acid 227 with glutamine.
Molecular consequence: missense variant.
Genome position (GRCh38, 1-based): chr2:47,835,910, C>G on the plus strand (G>C on the coding strand, the complement: FBXO11 is on the minus strand). VCF-style: chr2-47835910-C-G. GRCh37 (hg19) VCF-style: chr2-48063049-C-G.
Other names: c.427G>C, p.Glu143Gln (NM_001374325.1, NM_025133.4); short protein forms E143Q, E227Q.
Identifiers: ClinVar variation 1999454 (VCV001999454.4), dbSNP rs2531222079, ClinGen allele CA346812233.